The following is an entry in ClinVar:

ClinVar aggregate classification (germline): Uncertain significance (1 of 4 stars; one submission).

Conditions:
Retinoblastoma (RB1). Also called: RETINOBLASTOMA, SOMATIC. Identifiers: Orphanet 790, MedGen C0035335, MeSH D012175, MONDO:0008380, OMIM 180200, HP:0009919. Disease mechanism: loss of function. Inheritance: Both sporadic and heritable forms are tested..

gnomAD v4.1: 1 of 1,509,326 alleles (0.000066%); no homozygotes.

Submission:

Labcorp Genetics (formerly Invitae), Labcorp
Classification: Uncertain significance for Retinoblastoma. Last evaluated: 2024-01-24. Review status: criteria provided, single submitter. Criteria: Invitae Variant Classification Sherloc (09022015). Collection method: clinical testing. Allele origin: germline.
Comment: This sequence change replaces alanine, which is neutral and non-polar, with threonine, which is neutral and polar, at codon 10 of the RB1 protein (p.Ala10Thr). This variant is not present in population databases (gnomAD no frequency). This variant has not been reported in the literature in individuals affected with RB1-related conditions. Advanced modeling of protein sequence and biophysical properties (such as structural, functional, and spatial information, amino acid conservation, physicochemical variation, residue mobility, and thermodynamic stability) has been performed at Invitae for this missense variant, however the output from this modeling did not meet the statistical confidence thresholds required to predict the impact of this variant on RB1 protein function. In summary, the available evidence is currently insufficient to determine the role of this variant in disease. Therefore, it has been classified as a Variant of Uncertain Significance.

NM_000321.3(RB1):c.28G>A (p.Ala10Thr)

Gene: RB1 (RB transcriptional corepressor 1; plus strand). Cytogenetic location: 13q14.2.
Variant type: single nucleotide variant.
Coding change: c.28G>A on transcript NM_000321.3 (MANE Select); coding-DNA position 28, G replaced by A.
Protein change: p.Ala10Thr; replaces alanine 10 with threonine.
Molecular consequence: missense variant.
Genome position (GRCh38, 1-based): chr13:48,303,940, G>A. VCF-style: chr13-48303940-G-A. GRCh37 (hg19) VCF-style: chr13-48878076-G-A.
Other names: c.28G>A, p.Ala10Thr (NM_001407165.1, NM_001407166.1, NM_001407167.1); short protein forms A10T.
Identifiers: ClinVar variation 2710939 (VCV002710939.3), dbSNP rs1593411967, ClinGen allele CA388250184.